The following is an entry in ClinVar:

NM_000785.4(CYP27B1):c.337T>C (p.Trp113Arg)

Gene: CYP27B1 (cytochrome P450 family 27 subfamily B member 1; minus strand). Cytogenetic location: 12q14.1.
Variant type: single nucleotide variant.
Coding change: c.337T>C on transcript NM_000785.4 (MANE Select); coding-DNA position 337, T replaced by C.
Protein change: p.Trp113Arg; replaces tryptophan 113 with arginine.
Molecular consequence: missense variant.
Genome position (GRCh38, 1-based): chr12:57,766,056, A>G on the plus strand (T>C on the coding strand, the complement: CYP27B1 is on the minus strand). VCF-style: chr12-57766056-A-G. GRCh37 (hg19) VCF-style: chr12-58159839-A-G.
Other names: short protein forms W113R.
Identifiers: ClinVar variation 3499115 (VCV003499115.2).

ClinVar aggregate classification (germline): Uncertain significance. Review status: criteria provided, multiple submitters, no conflicts (2 of 4 stars). 2 submissions from 2 submitters: Uncertain significance (2). Last evaluated 2025-10-28.

Conditions:
Inborn genetic diseases. Identifiers: MedGen C0950123, MeSH D030342.
Vitamin D-dependent rickets, type 1A. Also called: VITAMIN D HYDROXYLATION-DEFICIENT RICKETS, TYPE 1A; PDDR IA; PSEUDOVITAMIN D-DEFICIENCY RICKETS, TYPE IA. Identifiers: MedGen CN283242, MONDO:0020723, OMIM 264700.

Submissions (2):

3billion
Classification: Uncertain significance for Vitamin D-dependent rickets, type 1A. Last evaluated: 2025-10-28. Review status: criteria provided, single submitter. Criteria: ACMG Guidelines, 2015. Collection method: clinical testing. Allele origin: germline. Affected: yes.
Comment: The variant is observed at an extremely low frequency in the gnomAD v4.1.0 dataset (total allele frequency: <0.001%). Predicted Consequence/Location: Missense variant In silico tool predictions suggest damaging effect of the variant on gene or gene product [REVEL: 0.73 (>=0.6, sensitivity 0.68 and specificity 0.92)]. The variant has been reported as of uncertain significance (ClinVar ID: VCV003499115). Therefore, this variant is classified as VUS according to the recommendation of ACMG/AMP guideline.

Ambry Genetics
Classification: Uncertain significance for Inborn genetic diseases. Last evaluated: 2024-11-25. Review status: criteria provided, single submitter. Criteria: Ambry Variant Classification Scheme 2023. Collection method: clinical testing. Allele origin: germline.